The following is an entry in ClinVar:

ClinVar aggregate classification (germline): Likely benign. Review status: criteria provided, multiple submitters, no conflicts (2 of 4 stars). 5 submissions from 5 submitters: Likely benign (4). 1 of the submissions does not count toward it. Last evaluated 2025-12-17.

Conditions:
Leigh syndrome (NULS). Also called: LEIGH SYNDROME, NUCLEAR; Leigh Disease; Subacute necrotizing encephalopathy; Necrotizing encephalopathy infantile subacute of Leigh; Leigh's necrotizing encephalopathy; Leigh's disease. Identifiers: Orphanet 506, MedGen C2931891, MONDO:0009723, OMIM 256000.
SCO1-related disorder. Also called: SCO1-related disorders; SCO1-related condition.

Allele frequency attached by ClinVar (database versions not stated): gnomAD 0.00001 and 0.00029; TOPMed 0.00006; gnomAD exomes 0.00043 and 0.00102; 1000 Genomes Project 30x 0.00250; 1000 Genomes Project 0.00260; ExAC 0.00280.
gnomAD v4.1: 664 of 1,577,658 alleles (0.042%); highest among the groups gnomAD compares: South Asian, 0.71%; 6 homozygotes.

Submissions (5):

Labcorp Genetics (formerly Invitae), Labcorp
Classification: Likely benign. Last evaluated: 2025-12-17. Review status: criteria provided, single submitter. Criteria: Invitae Variant Classification Sherloc (09022015). Collection method: clinical testing. Allele origin: germline.

Blueprint Genetics
Classification: Likely benign. Last evaluated: 2024-11-27. Review status: criteria provided, single submitter. Criteria: ACMG Guidelines, 2015. Collection method: clinical testing. Allele origin: germline.

CeGaT Center for Human Genetics Tuebingen
Classification: Likely benign. Last evaluated: 2023-01-01. Review status: criteria provided, single submitter. Criteria: CeGaT Center For Human Genetics Tuebingen Variant Classification Criteria Version 2. Collection method: clinical testing. Allele origin: germline. Affected: yes. Observed: 1 variant allele.
Comment: SCO1: BS2

Illumina Laboratory Services, Illumina
Classification: Likely benign for Leigh syndrome. Last evaluated: 2018-01-13. Review status: criteria provided, single submitter. Criteria: ICSL Variant Classification Criteria 13 December 2019. Collection method: clinical testing. Allele origin: germline.
Comment: This variant was observed in the ICSL laboratory as part of a predisposition screen in an ostensibly healthy population. It had not been previously curated by ICSL or reported in the Human Gene Mutation Database (HGMD: prior to June 1st, 2018), and was therefore a candidate for classification through an automated scoring system. Utilizing variant allele frequency, disease prevalence and penetrance estimates, and inheritance mode, an automated score was calculated to assess if this variant is too frequent to cause the disease. Based on the score and internal cut-off values, a variant classified as likely benign is not then subjected to further curation. The score for this variant resulted in a classification of likely benign for this disease.

PreventionGenetics, part of Exact Sciences
Classification: Benign for SCO1-related condition. Last evaluated: 2019-05-20. Review status: no assertion criteria provided. Collection method: clinical testing. Allele origin: germline. Not counted in ClinVar's aggregate classification.
Comment: This variant is classified as benign based on ACMG/AMP sequence variant interpretation guidelines (Richards et al. 2015 PMID: 25741868, with internal and published modifications).

NM_004589.4(SCO1):c.167G>A (p.Gly56Glu)

Genes: SCO1 (synthesis of cytochrome C oxidase 1; minus strand), LOC112529895 (Sharpr-MPRA regulatory region 5903; plus strand). Cytogenetic location: 17p13.1.
Variant type: single nucleotide variant.
Coding change: c.167G>A on transcript NM_004589.4 (MANE Select); coding-DNA position 167, G replaced by A.
Protein change: p.Gly56Glu; replaces glycine 56 with glutamic acid.
Molecular consequence: missense variant.
Genome position (GRCh38, 1-based): chr17:10,697,341, C>T on the plus strand (G>A on the coding strand, the complement: SCO1 is on the minus strand). VCF-style: chr17-10697341-C-T. GRCh37 (hg19) VCF-style: chr17-10600658-C-T.
Other names: short protein forms G56E.
Identifiers: ClinVar variation 739626 (VCV000739626.42), dbSNP rs374849575, ClinGen allele CA8393698.